The following is an entry in ClinVar:

ClinVar aggregate classification (germline): Uncertain significance (1 of 4 stars; one submission).

Submission:

Labcorp Genetics (formerly Invitae), Labcorp
Classification: Uncertain significance. Last evaluated: 2023-04-16. Review status: criteria provided, single submitter. Criteria: Invitae Variant Classification Sherloc (09022015). Collection method: clinical testing. Allele origin: germline.
Comment: This sequence change replaces tyrosine, which is neutral and polar, with histidine, which is basic and polar, at codon 221 of the DCHS1 protein (p.Tyr221His). This variant is not present in population databases (gnomAD no frequency). This variant has not been reported in the literature in individuals affected with DCHS1-related conditions. Advanced modeling of protein sequence and biophysical properties (such as structural, functional, and spatial information, amino acid conservation, physicochemical variation, residue mobility, and thermodynamic stability) performed at Invitae indicates that this missense variant is not expected to disrupt DCHS1 protein function. In summary, the available evidence is currently insufficient to determine the role of this variant in disease. Therefore, it has been classified as a Variant of Uncertain Significance.

NM_003737.4(DCHS1):c.661T>C (p.Tyr221His)

Gene: DCHS1 (dachsous cadherin-related 1; minus strand). Cytogenetic location: 11p15.4.
Variant type: single nucleotide variant.
Coding change: c.661T>C on transcript NM_003737.4 (MANE Select); coding-DNA position 661, T replaced by C.
Protein change: p.Tyr221His; replaces tyrosine 221 with histidine.
Molecular consequence: missense variant.
Genome position (GRCh38, 1-based): chr11:6,640,953, A>G on the plus strand (T>C on the coding strand, the complement: DCHS1 is on the minus strand). VCF-style: chr11-6640953-A-G. GRCh37 (hg19) VCF-style: chr11-6662184-A-G.
Other names: short protein forms Y221H.
Identifiers: ClinVar variation 2854844 (VCV002854844.3), dbSNP rs2493842768, ClinGen allele CA379441107.